The following is an entry in ClinVar:

NM_001429.4(EP300):c.6771A>G (p.Leu2257=)

Gene: EP300 (E1A binding protein p300; plus strand). Cytogenetic location: 22q13.2.
Variant type: single nucleotide variant.
Coding change: c.6771A>G on transcript NM_001429.4 (MANE Select); coding-DNA position 6771, A replaced by G.
Protein change: p.Leu2257=; no amino-acid change (leucine 2257 retained).
Molecular consequence: synonymous variant.
Genome position (GRCh38, 1-based): chr22:41,178,482, A>G. VCF-style: chr22-41178482-A-G. GRCh37 (hg19) VCF-style: chr22-41574486-A-G.
Other names: c.6693A>G, p.Leu2231= (NM_001362843.2).
Identifiers: ClinVar variation 3351957 (VCV003351957.1).
Genomic context (GRCh38, chr22:41,178,482, plus strand): 5'-AAATATGGGACAGATAGGCCAGCTTCCCCAGGCCTTGGGAGCAGAGGCAGGTGCCAGTCT[A>G]CAGGCCTATCAGCAGCGACTCCTTCAGCAACAGATGGGGTCCCCTGTTCAGCCCAACCCC-3'
Protein context (NP_001420.2, residues 2247-2267): QALGAEAGAS[Leu2257=]QAYQQRLLQQ

ClinVar aggregate classification (germline): Likely benign (0 of 4 stars; one submission).

Conditions:
EP300-related disorder. Also called: EP300-related disorders; EP300-related condition.

gnomAD v4.1: 2 of 1,613,904 alleles (0.00012%); highest among the groups gnomAD compares: Admixed American, 0.0033%; no homozygotes.

Submission:

PreventionGenetics, part of Exact Sciences
Classification: Likely benign for EP300-related condition. Last evaluated: 2022-12-09. Review status: no assertion criteria provided. Collection method: clinical testing. Allele origin: germline.
Comment: This variant is classified as likely benign based on ACMG/AMP sequence variant interpretation guidelines (Richards et al. 2015 PMID: 25741868, with internal and published modifications).